The following is an entry in ClinVar:

NM_000719.7(CACNA1C):c.2804del (p.Tyr935fs)

Gene: CACNA1C (calcium voltage-gated channel subunit alpha1 C; plus strand). Cytogenetic location: 12p13.33.
Variant type: Deletion.
Coding change: c.2804del on transcript NM_000719.7 (MANE Select); coding-DNA position 2804, one base deleted (A; older notation c.2804delA).
Protein change: p.Tyr935fs; shifts the reading frame from tyrosine 935.
Molecular consequence: frameshift variant. On other transcripts: intron variant (8).
Genome position (GRCh38, 1-based): chr12:2,597,240, A deleted. VCF-style (leftmost placement, unchanged base first): chr12-2597239-TA-T. GRCh37 (hg19) VCF-style: chr12-2706405-TA-T.
Other names: c.2804del, p.Tyr935fs (NM_001129827.2, NM_001129829.2, NM_001129831.2 and 10 more transcripts); c.2795del, p.Tyr932fs (NM_001129844.2); c.2794-197del (NM_001129840.2, NM_001129836.2, NM_001129841.2 and 5 more transcripts); short protein forms Y932fs, Y935fs.
Identifiers: ClinVar variation 846877 (VCV000846877.8), dbSNP rs2068769628, ClinGen allele CA916081658.

ClinVar aggregate classification (germline): Uncertain significance (1 of 4 stars; one submission).

Conditions:
Long QT syndrome (LQTS). Identifiers: MedGen C0023976, MeSH D008133, MONDO:0002442. Disease mechanism: loss of function. Inheritance: Various modes of inheritance.

Submission:

Labcorp Genetics (formerly Invitae), Labcorp
Classification: Uncertain significance for Long QT syndrome. Last evaluated: 2022-04-24. Review status: criteria provided, single submitter. Criteria: Invitae Variant Classification Sherloc (09022015). Collection method: clinical testing. Allele origin: germline.
Comment: In summary, the available evidence is currently insufficient to determine the role of this variant in disease. Therefore, it has been classified as a Variant of Uncertain Significance. ClinVar contains an entry for this variant (Variation ID: 846877). This variant has not been reported in the literature in individuals affected with CACNA1C-related conditions. This variant is not present in population databases (gnomAD no frequency). This sequence change creates a premature translational stop signal (p.Tyr935Phefs*16) in the CACNA1C gene. It is expected to result in an absent or disrupted protein product. However, the current clinical and genetic evidence is not sufficient to establish whether loss-of-function variants in CACNA1C cause disease.